The following is an entry in ClinVar:

NM_013448.3(BAZ1A):c.4094ATA[1] (p.Asn1366del)

Gene: BAZ1A (bromodomain adjacent to zinc finger domain 1A; minus strand). Cytogenetic location: 14q13.1.
Variant type: Microsatellite.
Coding change: c.4094ATA[1] on transcript NM_013448.3 (MANE Select); one copy of the 3-base unit ATA starting at c.4094; the reference has two copies in a row; one copy, 3 bases deleted.
Protein change: p.Asn1366del; deletes asparagine 1366.
Genome position (GRCh38, 1-based): chr14:34,761,901-34,761,903, TAT deleted on the plus strand (ATA on the coding strand, the reverse complement: BAZ1A is on the minus strand); deleting any 3 consecutive bases within chr14:34,761,901-34,761,908 gives the same sequence; the position shown is the placement nearest the transcript's 3' end. VCF-style (leftmost placement, unchanged base first): chr14-34761900-GTAT-G. GRCh37 (hg19) VCF-style: chr14-35231106-GTAT-G.
Other names: c.3998ATA[1], p.Asn1334del (NM_182648.2); short protein forms N1334del, N1366del.
Identifiers: ClinVar variation 3053995 (VCV003053995.2), dbSNP rs760675854, ClinGen allele CA7152554.

ClinVar aggregate classification (germline): Likely benign (0 of 4 stars; one submission).

Conditions:
BAZ1A-related disorder. Also called: BAZ1A-related condition.

Submission:

PreventionGenetics, part of Exact Sciences
Classification: Likely benign for BAZ1A-related condition. Last evaluated: 2022-12-29. Review status: no assertion criteria provided. Collection method: clinical testing. Allele origin: germline.
Comment: This variant is classified as likely benign based on ACMG/AMP sequence variant interpretation guidelines (Richards et al. 2015 PMID: 25741868, with internal and published modifications).